The following is an entry in ClinVar:

NM_002890.3(RASA1):c.358C>T (p.Pro120Ser)

Gene: RASA1 (RAS p21 protein activator 1; plus strand). Cytogenetic location: 5q14.3.
Variant type: single nucleotide variant.
Coding change: c.358C>T on transcript NM_002890.3 (MANE Select); coding-DNA position 358, C replaced by T.
Protein change: p.Pro120Ser; replaces proline 120 with serine.
Molecular consequence: missense variant.
Genome position (GRCh38, 1-based): chr5:87,268,809, C>T. VCF-style: chr5-87268809-C-T. GRCh37 (hg19) VCF-style: chr5-86564626-C-T.
Other names: short protein forms P120S.
Identifiers: ClinVar variation 855586 (VCV000855586.10), dbSNP rs1266753350, ClinGen allele CA360417238.

ClinVar aggregate classification (germline): Uncertain significance (1 of 4 stars; one submission).

Conditions:
Capillary malformation-arteriovenous malformation syndrome. Also called: Capillary malformation-arteriovenous malformation. Identifiers: Orphanet 137667, MedGen C1842180, MONDO:0012016.

Allele frequency attached by ClinVar (database versions not stated): gnomAD exomes below 0.00001.
gnomAD v4.1: 2 of 1,614,106 alleles (0.00012%); highest among the groups gnomAD compares: Admixed American, 0.0017%; no homozygotes.

Submission:

Labcorp Genetics (formerly Invitae), Labcorp
Classification: Uncertain significance for Capillary malformation-arteriovenous malformation syndrome. Last evaluated: 2025-03-10. Review status: criteria provided, single submitter. Criteria: Invitae Variant Classification Sherloc (09022015). Collection method: clinical testing. Allele origin: germline.
Comment: This sequence change replaces proline, which is neutral and non-polar, with serine, which is neutral and polar, at codon 120 of the RASA1 protein (p.Pro120Ser). This variant is present in population databases (no rsID available, gnomAD 0.003%). This variant has not been reported in the literature in individuals affected with RASA1-related conditions. ClinVar contains an entry for this variant (Variation ID: 855586). An algorithm developed to predict the effect of missense changes on protein structure and function (PolyPhen-2) suggests that this variant is likely to be tolerated. In summary, the available evidence is currently insufficient to determine the role of this variant in disease. Therefore, it has been classified as a Variant of Uncertain Significance.